The following is an entry in ClinVar:

NM_014014.5(SNRNP200):c.1315C>T (p.Arg439Cys)

Gene: SNRNP200 (small nuclear ribonucleoprotein U5 subunit 200; minus strand). Cytogenetic location: 2q11.2.
Variant type: single nucleotide variant.
Coding change: c.1315C>T on transcript NM_014014.5 (MANE Select); coding-DNA position 1315, C replaced by T.
Protein change: p.Arg439Cys; replaces arginine 439 with cysteine.
Molecular consequence: missense variant.
Genome position (GRCh38, 1-based): chr2:96,297,425, G>A on the plus strand (C>T on the coding strand, the complement: SNRNP200 is on the minus strand). VCF-style: chr2-96297425-G-A. GRCh37 (hg19) VCF-style: chr2-96963163-G-A.
Other names: short protein forms R439C.
Identifiers: ClinVar variation 948052 (VCV000948052.11), dbSNP rs199661848, ClinGen allele CA52402053.

ClinVar aggregate classification (germline): Uncertain significance. Review status: criteria provided, multiple submitters, no conflicts (2 of 4 stars). 3 submissions from 3 submitters: Uncertain significance (3). Last evaluated 2025-04-02.

Conditions:
Inborn genetic diseases. Identifiers: MedGen C0950123, MeSH D030342.

Allele frequency attached by ClinVar (database versions not stated): gnomAD exomes below 0.00001; gnomAD 0.00001; TOPMed 0.00001.
gnomAD v4.1: 5 of 1,614,048 alleles (0.00031%); highest among the groups gnomAD compares: Non-Finnish European, 0.00042%; no homozygotes.

Submissions (3):

Labcorp Genetics (formerly Invitae), Labcorp
Classification: Uncertain significance. Last evaluated: 2025-04-02. Review status: criteria provided, single submitter. Criteria: Invitae Variant Classification Sherloc (09022015). Collection method: clinical testing. Allele origin: germline.
Comment: This sequence change replaces arginine, which is basic and polar, with cysteine, which is neutral and slightly polar, at codon 439 of the SNRNP200 protein (p.Arg439Cys). This variant is present in population databases (rs199661848, gnomAD 0.007%). This missense change has been observed in individual(s) with retinitis pigmentosa (internal data). ClinVar contains an entry for this variant (Variation ID: 948052). Invitae Evidence Modeling of protein sequence and biophysical properties (such as structural, functional, and spatial information, amino acid conservation, physicochemical variation, residue mobility, and thermodynamic stability) has been performed for this missense variant. However, the output from this modeling did not meet the statistical confidence thresholds required to predict the impact of this variant on SNRNP200 protein function. In summary, the available evidence is currently insufficient to determine the role of this variant in disease. Therefore, it has been classified as a Variant of Uncertain Significance.

Ambry Genetics
Classification: Uncertain significance for Inborn genetic diseases. Last evaluated: 2021-09-01. Review status: criteria provided, single submitter. Criteria: Ambry Variant Classification Scheme 2023. Collection method: clinical testing. Allele origin: germline.

Blueprint Genetics
Classification: Uncertain significance. Last evaluated: 2019-09-27. Review status: criteria provided, single submitter. Criteria: ACMG Guidelines, 2015. Collection method: clinical testing. Allele origin: germline.